The following is an entry in ClinVar:

NM_001903.5(CTNNA1):c.957G>A (p.Met319Ile)

Gene: CTNNA1 (catenin alpha 1; plus strand). Cytogenetic location: 5q31.2.
Variant type: single nucleotide variant.
Coding change: c.957G>A on transcript NM_001903.5 (MANE Select); coding-DNA position 957, G replaced by A.
Protein change: p.Met319Ile; replaces methionine 319 with isoleucine.
Molecular consequence: missense variant.
Genome position (GRCh38, 1-based): chr5:138,827,613, G>A. VCF-style: chr5-138827613-G-A. GRCh37 (hg19) VCF-style: chr5-138163302-G-A.
Other names: c.957G>A, p.Met319Ile (NM_001290307.3, NM_001323982.2, NM_001323983.1 and 3 more transcripts); c.648G>A, p.Met216Ile (NM_001290309.3); c.588G>A, p.Met196Ile (NM_001290310.3); short protein forms M196I, M319I, M216I.
Identifiers: ClinVar variation 3837186 (VCV003837186.1).
Genomic context (GRCh38, chr5:138,827,613, plus strand): 5'-GCGCTTTAGGCCTTCCCTGGAGGAGCGTCTGGAAAGCATCATTAGTGGGGCTGCCTTGAT[G>A]GCCGACTCGTCCTGCACGCGTGATGACCGTCGTGAGCGAATTGTGGCAGAGTGTAATGCT-3'
Protein context (NP_001894.2, residues 309-329): LESIISGAAL[Met319Ile]ADSSCTRDDR

ClinVar aggregate classification (germline): Uncertain significance (1 of 4 stars; one submission).

Conditions:
Hereditary cancer-predisposing syndrome. Also called: Hereditary neoplastic syndrome; Neoplastic Syndromes, Hereditary; Tumor predisposition; Hereditary Cancer Syndrome. Identifiers: Orphanet 140162, MedGen C0027672, MeSH D009386, MONDO:0015356.

Submission:

Ambry Genetics
Classification: Uncertain significance for Hereditary cancer-predisposing syndrome. Last evaluated: 2025-02-24. Review status: criteria provided, single submitter. Criteria: Ambry Variant Classification Scheme 2023. Collection method: clinical testing. Allele origin: germline.
Comment: The p.M319I variant (also known as c.957G>A), located in coding exon 6 of the CTNNA1 gene, results from a G to A substitution at nucleotide position 957. The methionine at codon 319 is replaced by isoleucine, an amino acid with highly similar properties. This amino acid position is conserved. In addition, the in silico prediction for this alteration is inconclusive. Based on the available evidence, the clinical significance of this variant remains unclear.